The following is an entry in ClinVar:

ClinVar aggregate classification (germline): Uncertain significance. Review status: criteria provided, multiple submitters, no conflicts (2 of 4 stars). 6 submissions from 6 submitters: Uncertain significance (6). Last evaluated 2022-10-03.

Conditions:
Muscular dystrophy-dystroglycanopathy (congenital with brain and eye anomalies), type A2. Also called: MUSCULAR DYSTROPHY-DYSTROGLYCANOPATHY (CONGENITAL WITH BRAIN AND EYE ANOMALIES), TYPE A, 2; WALKER-WARBURG SYNDROME OR MUSCLE-EYE-BRAIN DISEASE, POMT2-RELATED. Identifiers: Orphanet 588, Orphanet 899, MedGen C3150411, MONDO:0013154, OMIM 613150.
Muscular dystrophy-dystroglycanopathy (congenital with impaired intellectual development), type B, 2. Also called: Muscular dystrophy-dystroglycanopathy (congenital with intellectual disability), type B2; MUSCULAR DYSTROPHY, CONGENITAL, POMT2-RELATED. Identifiers: MedGen C3150416, MONDO:0013160, OMIM 613156.
Autosomal recessive limb-girdle muscular dystrophy type 2N. Also called: MUSCULAR DYSTROPHY-DYSTROGLYCANOPATHY, LIMB-GIRDLE, POMT2-RELATED; Muscular dystrophy-dystroglycanopathy (limb-girdle), type C, 2. Identifiers: Orphanet 206559, MedGen C3150418, MONDO:0013162, OMIM 613158.

Allele frequency attached by ClinVar (database versions not stated): gnomAD 0.00023; 1000 Genomes Project 0.00100; gnomAD exomes 0.00011 and 0.00005; ExAC 0.00012; TOPMed 0.00045; ESP Exome Variant Server 0.00015; 1000 Genomes Project 30x 0.00094.
gnomAD v4.1: 121 of 1,614,152 alleles (0.0075%); highest among the groups gnomAD compares: Admixed American, 0.082%; no homozygotes.

Submissions (6):

Labcorp Genetics (formerly Invitae), Labcorp
Classification: Uncertain significance for Muscular dystrophy-dystroglycanopathy (congenital with impaired intellectual development), type B, 2; Muscular dystrophy-dystroglycanopathy (congenital with brain and eye anomalies), type A2; Autosomal recessive limb-girdle muscular dystrophy type 2N. Last evaluated: 2022-10-03. Review status: criteria provided, single submitter. Criteria: Invitae Variant Classification Sherloc (09022015). Collection method: clinical testing. Allele origin: germline.
Comment: This sequence change replaces threonine, which is neutral and polar, with methionine, which is neutral and non-polar, at codon 564 of the POMT2 protein (p.Thr564Met). This variant is present in population databases (rs142445941, gnomAD 0.04%). This variant has not been reported in the literature in individuals affected with POMT2-related conditions. ClinVar contains an entry for this variant (Variation ID: 448116). Advanced modeling of protein sequence and biophysical properties (such as structural, functional, and spatial information, amino acid conservation, physicochemical variation, residue mobility, and thermodynamic stability) has been performed at Invitae for this missense variant, however the output from this modeling did not meet the statistical confidence thresholds required to predict the impact of this variant on POMT2 protein function. In summary, the available evidence is currently insufficient to determine the role of this variant in disease. Therefore, it has been classified as a Variant of Uncertain Significance.

Revvity Omics, Revvity
Classification: Uncertain significance. Last evaluated: 2022-05-27. Review status: criteria provided, single submitter. Criteria: ACMG Guidelines, 2015. Collection method: clinical testing. Allele origin: germline.

GeneDx
Classification: Uncertain significance. Last evaluated: 2019-04-11. Review status: criteria provided, single submitter. Criteria: GeneDx Variant Classification Process June 2021. Collection method: clinical testing. Allele origin: germline. Affected: yes.
Comment: In silico analysis, which includes protein predictors and evolutionary conservation, supports a deleterious effect; Has not been previously published as pathogenic or benign to our knowledge

Eurofins Ntd Llc (ga)
Classification: Uncertain significance. Last evaluated: 2017-03-21. Review status: criteria provided, single submitter. Criteria: EGL Classification Definitions 2015. Collection method: clinical testing. Allele origin: germline. Observed: 1 variant allele, 1 heterozygote.

Athena Diagnostics
Classification: Uncertain significance. Last evaluated: 2017-03-13. Review status: criteria provided, single submitter. Criteria: Athena Diagnostics Criteria. Collection method: clinical testing. Allele origin: germline.

CeGaT Center for Human Genetics Tuebingen
Classification: Uncertain significance. Last evaluated: 2016-05-01. Review status: criteria provided, single submitter. Criteria: CeGaT Center For Human Genetics Tuebingen Variant Classification Criteria Version 2. Collection method: clinical testing. Allele origin: germline. Affected: yes. Observed: 1 variant allele.

NM_013382.7(POMT2):c.1691C>T (p.Thr564Met)

Gene: POMT2 (protein O-mannosyltransferase 2; minus strand). Cytogenetic location: 14q24.3.
Variant type: single nucleotide variant.
Coding change: c.1691C>T on transcript NM_013382.7 (MANE Select); coding-DNA position 1691, C replaced by T.
Protein change: p.Thr564Met; replaces threonine 564 with methionine.
Molecular consequence: missense variant.
Genome position (GRCh38, 1-based): chr14:77,280,426, G>A on the plus strand (C>T on the coding strand, the complement: POMT2 is on the minus strand). VCF-style: chr14-77280426-G-A. GRCh37 (hg19) VCF-style: chr14-77746769-G-A.
Other names: short protein forms T564M.
Identifiers: ClinVar variation 448116 (VCV000448116.56), dbSNP rs142445941, ClinGen allele CA7285758.